The following is an entry in ClinVar:

NM_182919.4(TICAM1):c.382A>G (p.Arg128Gly)

Gene: TICAM1 (TIR domain containing adaptor molecule 1; minus strand). Cytogenetic location: 19p13.3.
Variant type: single nucleotide variant.
Coding change: c.382A>G on transcript NM_182919.4 (MANE Select); coding-DNA position 382, A replaced by G.
Protein change: p.Arg128Gly; replaces arginine 128 with glycine.
Molecular consequence: missense variant. On other transcripts: intron variant (1).
Genome position (GRCh38, 1-based): chr19:4,817,996, T>C on the plus strand (A>G on the coding strand, the complement: TICAM1 is on the minus strand). VCF-style: chr19-4817996-T-C. GRCh37 (hg19) VCF-style: chr19-4818008-T-C.
Other names: c.340A>G, p.Arg114Gly (NM_001385678.1); c.247A>G, p.Arg83Gly (NM_001385679.1); c.-71-190A>G (NM_001385680.1); short protein forms R128G, R114G, R83G.
Identifiers: ClinVar variation 1522321 (VCV001522321.5), dbSNP rs1271210390, ClinGen allele CA403492792.
Genomic context (GRCh38, chr19:4,817,996, plus strand): 5'-TGTCCCACCCACACCGGTTTCGGGCCTCATCCTGAAGTTCCCCCAGCCGGTGGTCGTCCC[T>C]GGAGCTGAGGGTGCGGACGGCTTCCTGGTAGGCCACGTCCCGCAGCGAGGCGGGGCACAG-3'
Protein context (NP_891549.1, residues 118-138): YQEAVRTLSS[Arg128Gly]DDHRLGELQD

ClinVar aggregate classification (germline): Uncertain significance (1 of 4 stars; one submission).

Conditions:
Encephalopathy, acute, infection-induced (herpes-specific), susceptibility to, 6. Also called: Herpes simplex encephalitis, susceptibility to, 4. Identifiers: Orphanet 1930, MedGen C3553869, MONDO:0013921, OMIM 614850.

Allele frequency attached by ClinVar (database versions not stated): TOPMed below 0.00001; gnomAD exomes below 0.00001.
gnomAD v4.1: 1 of 1,612,666 alleles (0.000062%); highest among the groups gnomAD compares: Admixed American, 0.0017%; no homozygotes.

Submission:

Labcorp Genetics (formerly Invitae), Labcorp
Classification: Uncertain significance for Encephalopathy, acute, infection-induced (herpes-specific), susceptibility to, 6. Last evaluated: 2024-01-22. Review status: criteria provided, single submitter. Criteria: Invitae Variant Classification Sherloc (09022015). Collection method: clinical testing. Allele origin: germline.
Comment: This sequence change replaces arginine, which is basic and polar, with glycine, which is neutral and non-polar, at codon 128 of the TICAM1 protein (p.Arg128Gly). The frequency data for this variant in the population databases is considered unreliable, as metrics indicate poor data quality at this position in the gnomAD database. This variant has not been reported in the literature in individuals affected with TICAM1-related conditions. ClinVar contains an entry for this variant (Variation ID: 1522321). An algorithm developed to predict the effect of missense changes on protein structure and function (PolyPhen-2) suggests that this variant¬†is likely to be tolerated. In summary, the available evidence is currently insufficient to determine the role of this variant in disease. Therefore, it has been classified as a Variant of Uncertain Significance.